The following is an entry in ClinVar:

ClinVar aggregate classification (germline): Uncertain significance (1 of 4 stars; one submission).

Allele frequency attached by ClinVar (database versions not stated): gnomAD exomes below 0.00001; ExAC 0.00001.
gnomAD v4.1: 1 of 1,613,936 alleles (0.000062%); highest among the groups gnomAD compares: Non-Finnish European, 0.000085%; no homozygotes.

Submission:

Labcorp Genetics (formerly Invitae), Labcorp
Classification: Uncertain significance. Last evaluated: 2019-11-19. Review status: criteria provided, single submitter. Criteria: Invitae Variant Classification Sherloc (09022015). Collection method: clinical testing. Allele origin: germline.
Comment: In summary, the available evidence is currently insufficient to determine the role of this variant in disease. Therefore, it has been classified as a Variant of Uncertain Significance. Algorithms developed to predict the effect of missense changes on protein structure and function output the following: SIFT: "Deleterious"; PolyPhen-2: "Benign"; Align-GVGD: "Class C55". The serine amino acid residue is found in multiple mammalian species, suggesting that this missense change does not adversely affect protein function. These predictions have not been confirmed by published functional studies and their clinical significance is uncertain. This variant has not been reported in the literature in individuals with SZT2-related conditions. This variant is present in population databases (rs766743749, ExAC 0.002%). This sequence change replaces phenylalanine with serine at codon 1109 of the SZT2 protein (p.Phe1109Ser). The phenylalanine residue is highly conserved and there is a large physicochemical difference between phenylalanine and serine.

NM_001365999.1(SZT2):c.3497T>C (p.Phe1166Ser)

Gene: SZT2 (SZT2 subunit of KICSTOR complex; plus strand). Cytogenetic location: 1p34.2.
Variant type: single nucleotide variant.
Coding change: c.3497T>C on transcript NM_001365999.1 (MANE Select); coding-DNA position 3497, T replaced by C.
Protein change: p.Phe1166Ser; replaces phenylalanine 1166 with serine.
Molecular consequence: missense variant.
Genome position (GRCh38, 1-based): chr1:43,427,344, T>C. VCF-style: chr1-43427344-T-C. GRCh37 (hg19) VCF-style: chr1-43893015-T-C.
Other names: c.3326T>C, p.Phe1109Ser (NM_015284.4); short protein forms F1166S, F1109S.
Identifiers: ClinVar variation 850144 (VCV000850144.9), dbSNP rs766743749, ClinGen allele CA809008.